The following is an entry in ClinVar:

NM_000081.4(LYST):c.7454A>G (p.Glu2485Gly)

Gene: LYST (lysosomal trafficking regulator; minus strand). Cytogenetic location: 1q42.3.
Variant type: single nucleotide variant.
Coding change: c.7454A>G on transcript NM_000081.4 (MANE Select); coding-DNA position 7454, A replaced by G.
Protein change: p.Glu2485Gly; replaces glutamic acid 2485 with glycine.
Molecular consequence: missense variant.
Genome position (GRCh38, 1-based): chr1:235,753,050, T>C on the plus strand (A>G on the coding strand, the complement: LYST is on the minus strand). VCF-style: chr1-235753050-T-C. GRCh37 (hg19) VCF-style: chr1-235916350-T-C.
Other names: c.7454A>G, p.Glu2485Gly (NM_001301365.1); short protein forms E2485G.
Identifiers: ClinVar variation 2415211 (VCV002415211.6), dbSNP rs2527732149, ClinGen allele CA344931200.

ClinVar aggregate classification (germline): Uncertain significance (1 of 4 stars; one submission).

Conditions:
Chédiak-Higashi syndrome (CHS). Also called: Chediak-Higashi Syndrome. Identifiers: Orphanet 167, MedGen C0007965, MONDO:0008963, OMIM 214500.

Allele frequency attached by ClinVar (database versions not stated): gnomAD exomes below 0.00001.
gnomAD v4.1: 1 of 1,499,118 alleles (0.000067%); highest among the groups gnomAD compares: Admixed American, 0.0017%; no homozygotes.

Submission:

Labcorp Genetics (formerly Invitae), Labcorp
Classification: Uncertain significance for Chédiak-Higashi syndrome. Last evaluated: 2022-07-15. Review status: criteria provided, single submitter. Criteria: Invitae Variant Classification Sherloc (09022015). Collection method: clinical testing. Allele origin: germline.
Comment: Algorithms developed to predict the effect of missense changes on protein structure and function output the following: SIFT: "Deleterious"; PolyPhen-2: "Benign"; Align-GVGD: "Class C0". The glycine amino acid residue is found in multiple mammalian species, which suggests that this missense change does not adversely affect protein function. This variant has not been reported in the literature in individuals affected with LYST-related conditions. This variant is not present in population databases (gnomAD no frequency). This sequence change replaces glutamic acid, which is acidic and polar, with glycine, which is neutral and non-polar, at codon 2485 of the LYST protein (p.Glu2485Gly). In summary, the available evidence is currently insufficient to determine the role of this variant in disease. Therefore, it has been classified as a Variant of Uncertain Significance.